The following is an entry in ClinVar:

ClinVar aggregate classification (germline): Uncertain significance (1 of 4 stars; one submission).

Allele frequency attached by ClinVar (database versions not stated): gnomAD exomes 0.00001 and below 0.00001.
gnomAD v4.1: 4 of 1,536,192 alleles (0.00026%); highest among the groups gnomAD compares: South Asian, 0.0024%; no homozygotes.

Submission:

GeneDx
Classification: Uncertain significance. Last evaluated: 2017-04-19. Review status: criteria provided, single submitter. Criteria: GeneDx Variant Classification (06012015). Collection method: clinical testing. Allele origin: germline. Affected: yes.
Comment: The I2246V variant in the C2CD3 gene has not been reported previously as a pathogenic variant, nor as a benign variant, to our knowledge. The I2246V variant is not observed in large population cohorts (Lek et al., 2016; 1000 Genomes Consortium et al., 2015; Exome Variant Server). In silico analysis predicts this variant is probably damaging to the protein structure/function. However, the I2246V variant is a conservative amino acid substitution, which is not likely to impact secondary protein structure as these residues share similar properties and this substitution occurs at a position that is not conserved. We interpret I2246V as a variant of uncertain significance.

NM_001286577.2(C2CD3):c.6736A>G (p.Ile2246Val)

Gene: C2CD3 (C2 domain containing 3 centriole elongation regulator; minus strand). Cytogenetic location: 11q13.4.
Variant type: single nucleotide variant.
Coding change: c.6736A>G on transcript NM_001286577.2 (MANE Select); coding-DNA position 6736, A replaced by G.
Protein change: p.Ile2246Val; replaces isoleucine 2246 with valine.
Molecular consequence: missense variant.
Genome position (GRCh38, 1-based): chr11:74,033,424, T>C on the plus strand (A>G on the coding strand, the complement: C2CD3 is on the minus strand). VCF-style: chr11-74033424-T-C. GRCh37 (hg19) VCF-style: chr11-73744469-T-C.
Other names: short protein forms I2246V.
Identifiers: ClinVar variation 426369 (VCV000426369.3), dbSNP rs1085307590, ClinGen allele CA381819482.